The following is an entry in ClinVar:

ClinVar aggregate classification (germline): Uncertain significance (1 of 4 stars; one submission).

Submission:

Medical Genetic Center, Changzhi Maternal and Child Health Care Hospital
Classification: Uncertain significance. Last evaluated: 2025-12-10. Review status: criteria provided, single submitter. Criteria: ACMG/ClinGen CNV Guidelines, 2019. Collection method: clinical testing. Allele origin: unknown.
Comment: 1A,SLC6A2 patial deletion (NM_001172501.3, exon 1-7)

GRCh38/hg38 16q12.2(chr16:55432804-55695125)x3

Genes: SLC6A2 (solute carrier family 6 member 2; plus strand), CAPNS2 (calpain small subunit 2; plus strand), LPCAT2 (lysophosphatidylcholine acyltransferase 2; plus strand), MMP2 (matrix metallopeptidase 2; plus strand), MMP2-AS1 (MMP2 antisense RNA 1; minus strand) and 1 more. Cytogenetic location: 16q12.2.
Variant type: copy number gain.
Change: copy number 3 (three copies instead of two) of chr16:55,432,804-55,695,125 (262.3 kb, GRCh38 coordinates, 1-based), cytogenetic band 16q12.2.
Identifiers: ClinVar variation 4796349 (VCV004796349.1).